The following is an entry in ClinVar:

ClinVar aggregate classification (germline): Conflicting classifications of pathogenicity. Review status: criteria provided, conflicting classifications (1 of 4 stars). 6 submissions from 4 submitters: Likely pathogenic (2); Uncertain significance (4). Last evaluated 2025-02-07.

Conditions:
Autosomal dominant nonsyndromic hearing loss 3A. Identifiers: Orphanet 90635, MedGen C2675750, MONDO:0011103, OMIM 601544.
Autosomal recessive nonsyndromic hearing loss 1A (DFNB1A). Also called: GJB6-Related DFNB 1 Nonsyndromic Hearing Loss and Deafness; Deafness, autosomal recessive 1A; Connexin 26 deafness; Deafness nonsyndromic, Connexin 26 linked; Nonsyndromic Hearing Loss and Deafness, DFNB1; GJB2-Related Autosomal Recessive Nonsyndromic Hearing Loss. Identifiers: Orphanet 90636, MedGen C2673759, MONDO:0009076, OMIM 220290.
Ichthyosis, hystrix-like, with hearing loss. Also called: Hystrix-like ichthyosis with deafness. Identifiers: Orphanet 477, MedGen C1865234, MONDO:0011245.

Allele frequency attached by ClinVar (database versions not stated): gnomAD 0.00001; gnomAD exomes 0.00001 and below 0.00001; TOPMed below 0.00001.

Submissions (6):

Dasa
Classification: Likely pathogenic. Last evaluated: 2025-02-07. Review status: criteria provided, single submitter. Criteria: DASA Assertion Criteria. Collection method: clinical testing. Allele origin: germline.
Comment: NM_004004.6(GJB2):c.196G>A (p.Asp66Asn) is a missense variant that results in the substitution of aspartic acid with asparagine. The affected residue or protein region has prior evidence supporting clinical relevance. This variant has been reported in individuals with GJB2-related disorders (PMID: 24737404). Also, this variant is rare in population databases. Computational evidence supports a deleterious effect. Based on the currently available evidence, this variant is classified as likely pathogenic.

Labcorp Genetics (formerly Invitae), Labcorp
Classification: Likely pathogenic. Last evaluated: 2023-12-19. Review status: criteria provided, single submitter. Criteria: Invitae Variant Classification Sherloc (09022015). Collection method: clinical testing. Allele origin: germline.
Comment: This sequence change replaces aspartic acid, which is acidic and polar, with asparagine, which is neutral and polar, at codon 66 of the GJB2 protein (p.Asp66Asn). This variant is present in population databases (no rsID available, gnomAD 0.004%). This missense change has been observed in individual(s) with clinical features of autosomal dominant deafness (PMID: 21055240, 24737404). ClinVar contains an entry for this variant (Variation ID: 881103). Advanced modeling of protein sequence and biophysical properties (such as structural, functional, and spatial information, amino acid conservation, physicochemical variation, residue mobility, and thermodynamic stability) performed at Invitae indicates that this missense variant is expected to disrupt GJB2 protein function with a positive predictive value of 95%. This variant disrupts the p.Asp66 amino acid residue in GJB2. Other variant(s) that disrupt this residue have been determined to be pathogenic (PMID: 10369869, 14978038, 20031451). This suggests that this residue is clinically significant, and that variants that disrupt this residue are likely to be disease-causing. In summary, the currently available evidence indicates that the variant is pathogenic, but additional data are needed to prove that conclusively. Therefore, this variant has been classified as Likely Pathogenic.

Women's Health and Genetics/Laboratory Corporation of America, LabCorp
Classification: Uncertain significance. Last evaluated: 2023-08-23. Review status: criteria provided, single submitter. Criteria: LabCorp Variant Classification Summary - May 2015. Collection method: clinical testing. Allele origin: germline.
Comment: Variant summary: GJB2 c.196G>A (p.Asp66Asn) results in a conservative amino acid change located in the Connexin, N-terminal domain (IPR013092) of the encoded protein sequence. Four of five in-silico tools predict a damaging effect of the variant on protein function. The variant allele was found at a frequency of 4e-06 in 251300 control chromosomes (gnomAD). The available data on variant occurrences in the general population are insufficient to allow any conclusion about variant significance. c.196G>A has been reported in the literature in individuals affected with Non-Syndromic Hearing Loss (examples: Li_2010, Jiang_2014). Other variants affecting the same residue (p.Asp66His, p.Asp66Tyr) have been classified Pathogenic/likely pathogenic in ClinVar (CV IDs17012, 586962). At-least one of these variants (c.196G>C, p.Asp66His) have shown to segregate with mutilating keratoderma and deafness (Vohwinkels syndrome) in multiple families (PMIDs: 20031451, 10369869). This suggests p.Asp66 may play a critical role in normal protein function. The following publications have been ascertained in the context of this evaluation (PMID: 24737404, 21055240). Two submitters have cited clinical-significance assessments for this variant to ClinVar after 2014. One submitter classified the variant as likely pathogenic, and one submitter classified the variant as uncertain significance. Based on the evidence outlined above, the variant was classified as VUS-possibly pathogenic.

Illumina Laboratory Services, Illumina
Classification: Uncertain significance for Autosomal recessive nonsyndromic hearing loss 1A. Last evaluated: 2017-04-27. Review status: criteria provided, single submitter. Criteria: ICSL Variant Classification Criteria 13 December 2019. Collection method: clinical testing. Allele origin: germline.
Comment: This variant was observed as part of a predisposition screen in an ostensibly healthy population. A literature search was performed for the gene, cDNA change, and amino acid change (where applicable). Publications were found based on this search. However, the evidence from the literature, in combination with allele frequency data from public databases where available, was not sufficient to rule this variant in or out of causing disease. Therefore, this variant is classified as a variant of unknown significance.

Illumina Laboratory Services, Illumina
Classification: Uncertain significance for Autosomal dominant keratitis-ichthyosis-hearing loss syndrome. Last evaluated: 2017-04-27. Review status: criteria provided, single submitter. Criteria: ICSL Variant Classification Criteria 13 December 2019. Collection method: clinical testing. Allele origin: germline.

Illumina Laboratory Services, Illumina
Classification: Uncertain significance for Autosomal dominant nonsyndromic hearing loss 3A. Last evaluated: 2017-04-27. Review status: criteria provided, single submitter. Criteria: ICSL Variant Classification Criteria 13 December 2019. Collection method: clinical testing. Allele origin: germline.

Literature cited by the submitters: PubMed 24737404 (cited by 4 submitters); PubMed 21055240 (cited by Labcorp Genetics (formerly Invitae), Labcorp and Women's Health and Genetics/Laboratory Corporation of America, LabCorp); PubMed 10369869 (cited by Labcorp Genetics (formerly Invitae), Labcorp); PubMed 14978038 (cited by Labcorp Genetics (formerly Invitae), Labcorp); PubMed 20031451 (cited by Labcorp Genetics (formerly Invitae), Labcorp).

NM_004004.6(GJB2):c.196G>A (p.Asp66Asn)

Gene: GJB2 (gap junction protein beta 2; minus strand). Cytogenetic location: 13q12.11.
Variant type: single nucleotide variant.
Coding change: c.196G>A on transcript NM_004004.6 (MANE Select); coding-DNA position 196, G replaced by A.
Protein change: p.Asp66Asn; replaces aspartic acid 66 with asparagine.
Molecular consequence: missense variant.
Genome position (GRCh38, 1-based): chr13:20,189,386, C>T on the plus strand (G>A on the coding strand, the complement: GJB2 is on the minus strand). VCF-style: chr13-20189386-C-T. GRCh37 (hg19) VCF-style: chr13-20763525-C-T.
Other names: short protein forms D66N.
Identifiers: ClinVar variation 881103 (VCV000881103.12), dbSNP rs104894403, ClinGen allele CA387461646.